The following is an entry in ClinVar:

NM_001365902.3(NFIX):c.381G>T (p.Trp127Cys)

Gene: NFIX (nuclear factor I X; plus strand). Cytogenetic location: 19p13.13.
Variant type: single nucleotide variant.
Coding change: c.381G>T on transcript NM_001365902.3 (MANE Select); coding-DNA position 381, G replaced by T.
Protein change: p.Trp127Cys; replaces tryptophan 127 with cysteine.
Molecular consequence: missense variant.
Genome position (GRCh38, 1-based): chr19:13,025,374, G>T. VCF-style: chr19-13025374-G-T. GRCh37 (hg19) VCF-style: chr19-13136188-G-T.
Other names: c.405G>T, p.Trp135Cys (NM_001271043.2); c.357G>T, p.Trp119Cys (NM_001271044.3, NM_001378404.1); c.381G>T, p.Trp127Cys (NM_001365982.2, NM_002501.4); c.240G>T, p.Trp80Cys (NM_001365983.2); c.378G>T, p.Trp126Cys (NM_001365984.2, NM_001365985.2); c.429G>T, p.Trp143Cys (NM_001378405.1); short protein forms W119C, W126C, W127C, W135C, W143C, W80C.
Identifiers: ClinVar variation 1298743 (VCV001298743.35), dbSNP rs2145192782, ClinGen allele CA404314711.

ClinVar aggregate classification (germline): Likely pathogenic. Review status: criteria provided, multiple submitters, no conflicts (2 of 4 stars). 2 submissions from 2 submitters: Likely pathogenic (2). Last evaluated 2025-10-03.

Conditions:
NFIX-related disorder. Also called: NFIX-related condition.

Submissions (2):

3billion
Classification: Likely pathogenic for NFIX-related disorder. Last evaluated: 2025-10-03. Review status: criteria provided, single submitter. Criteria: ACMG Guidelines, 2015. Collection method: clinical testing. Allele origin: germline. Affected: yes.
Comment: The variant is not observed in the gnomAD v4.1.0 dataset. Predicted Consequence/Location: The variant is located in a mutational hot spot and/or well-established functional domain in which established pathogenic variants have been reported (PMID: 29897170). In silico tool predictions suggest damaging effect of the variant on gene or gene product [REVEL: 0.86 (>=0.6, sensitivity 0.68 and specificity 0.92); 3Cnet: 1.00 (> 0.75, sensitivity 0.96 and precision 0.92)]. The same nucleotide change resulting in the same amino acid change has been previously reported to be associated with NFIX-related disorder (ClinVar ID: VCV001298743). Therefore, this variant is classified as Likely pathogenic according to the recommendation of ACMG/AMP guideline.

CeGaT Center for Human Genetics Tuebingen
Classification: Likely pathogenic. Last evaluated: 2021-07-01. Review status: criteria provided, single submitter. Criteria: CeGaT Center For Human Genetics Tuebingen Variant Classification Criteria Version 2. Collection method: clinical testing. Allele origin: germline. Affected: yes. Observed: 1 variant allele.